The following is an entry in ClinVar:

ClinVar aggregate classification (germline): Likely benign. Review status: criteria provided, multiple submitters, no conflicts (2 of 4 stars). 2 submissions from 2 submitters: Likely benign (2). Last evaluated 2026-08-01.

gnomAD v4.1: 2 of 1,614,020 alleles (0.00012%); highest among the groups gnomAD compares: Admixed American, 0.0033%; no homozygotes.

Submissions (2):

CeGaT Center for Human Genetics Tuebingen
Classification: Likely benign. Last evaluated: 2026-08-01. Review status: criteria provided, single submitter. Criteria: CeGaT Center For Human Genetics Tuebingen Variant Classification Criteria Version 2. Collection method: clinical testing. Allele origin: germline. Affected: yes. Observed: 2 variant alleles.
Comment: TNFAIP3: BP4, BP7

Labcorp Genetics (formerly Invitae), Labcorp
Classification: Likely benign. Last evaluated: 2025-03-10. Review status: criteria provided, single submitter. Criteria: Invitae Variant Classification Sherloc (09022015). Collection method: clinical testing. Allele origin: germline.

NM_001270508.2(TNFAIP3):c.2082G>A (p.Glu694=)

Gene: TNFAIP3 (TNF alpha induced protein 3; plus strand). Cytogenetic location: 6q23.3.
Variant type: single nucleotide variant.
Coding change: c.2082G>A on transcript NM_001270508.2 (MANE Select); coding-DNA position 2082, G replaced by A.
Protein change: p.Glu694=; no amino-acid change (glutamic acid 694 retained).
Molecular consequence: synonymous variant.
Genome position (GRCh38, 1-based): chr6:137,880,246, G>A. VCF-style: chr6-137880246-G-A. GRCh37 (hg19) VCF-style: chr6-138201383-G-A.
Other names: c.2082G>A, p.Glu694= (NM_001270507.2, NM_006290.4).
Identifiers: ClinVar variation 4700324 (VCV004700324.2).